The following is an entry in ClinVar:

ClinVar aggregate classification (germline): Uncertain significance. Review status: criteria provided, single submitter (1 of 4 stars). 2 submissions from 2 submitters: Uncertain significance (1). 1 of the submissions does not count toward it.

Submissions (2):

Rady Children's Institute for Genomic Medicine, Rady Children's Hospital San Diego
Classification: Uncertain significance. Review status: criteria provided, single submitter. Criteria: ACMG Guidelines, 2015. Collection method: clinical testing. Allele origin: germline. Affected: yes.
Comment: This variant has not been previously reported or functionally characterized in the literature to our knowledge. It is absent from the ExAC and gnomAD population databases and thus is presumed to be rare. The c.11420G>C (p.Cys3807Ser) variant affects a highly conserved amino acid and is predicted by multiple in silico tools to have a deleterious effect on protein function. Based on the available evidence, the c.11420G>C (p.Cys3807Ser) variant is classified as a Variant of Uncertain Significance.

OMIM
Classification: Uncertain significance for VARIANT OF UNKNOWN SIGNIFICANCE. Last evaluated: 2024-03-04. Review status: no assertion criteria provided. Collection method: literature only. Allele origin: germline. Not counted in ClinVar's aggregate classification.

Literature cited by the submitters: PubMed 36307211 (cited by OMIM).

NM_002332.3(LRP1):c.11420G>C (p.Cys3807Ser)

Gene: LRP1 (LDL receptor related protein 1; plus strand). Cytogenetic location: 12q13.3.
Variant type: single nucleotide variant.
Coding change: c.11420G>C on transcript NM_002332.3 (MANE Select); coding-DNA position 11420, G replaced by C.
Protein change: p.Cys3807Ser; replaces cysteine 3807 with serine.
Molecular consequence: missense variant.
Genome position (GRCh38, 1-based): chr12:57,205,435, G>C. VCF-style: chr12-57205435-G-C. GRCh37 (hg19) VCF-style: chr12-57599218-G-C.
Other names: short protein forms C3807S.
Identifiers: ClinVar variation 1704207 (VCV001704207.3), dbSNP rs2548087863, ClinGen allele CA385451821.